The following is an entry in ClinVar:

NM_001278293.3(ARL6):c.535+122A>C

Gene: ARL6 (ARF like GTPase 6; plus strand). Cytogenetic location: 3q11.2.
Variant type: single nucleotide variant.
Coding change: c.535+122A>C on transcript NM_001278293.3 (MANE Select); 122 bases into the intron after coding-DNA position 535, A replaced by C.
Molecular consequence: intron variant.
Genome position (GRCh38, 1-based): chr3:97,791,948, A>C. VCF-style: chr3-97791948-A-C. GRCh37 (hg19) VCF-style: chr3-97510792-A-C.
Other names: c.535+122A>C (NM_032146.5, NM_177976.3); c.536-5A>C (NM_001323513.2); c.479+3829A>C (NM_001323514.2).
Identifiers: ClinVar variation 3346926 (VCV003346926.1).

ClinVar aggregate classification (germline): Uncertain significance (0 of 4 stars; one submission).

Conditions:
ARL6-related disorder. Also called: ARL6-related condition.

gnomAD v4.1: 1 of 876,254 alleles (0.00011%); highest among the groups gnomAD compares: East Asian, 0.0027%; no homozygotes.

Submission:

PreventionGenetics, part of Exact Sciences
Classification: Uncertain significance for ARL6-related condition. Last evaluated: 2024-08-22. Review status: no assertion criteria provided. Collection method: clinical testing. Allele origin: germline.
Comment: The ARL6 c.536-5A>C variant is predicted to interfere with splicing. To our knowledge, this variant has not been reported in the literature or in a large population database, indicating this variant is rare. At this time, the clinical significance of this variant is uncertain due to the absence of conclusive functional and genetic evidence.